The following is an entry in ClinVar:

ClinVar aggregate classification (germline): Uncertain significance. Review status: criteria provided, multiple submitters, no conflicts (2 of 4 stars). 5 submissions from 5 submitters: Uncertain significance (5). Last evaluated 2026-01-20.

Conditions:
Charcot-Marie-Tooth disease axonal type 2S. Also called: CHARCOT-MARIE-TOOTH NEUROPATHY, TYPE 2S; CHARCOT-MARIE-TOOTH DISEASE, AXONAL, AUTOSOMAL RECESSIVE, TYPE 2S. Identifiers: Orphanet 443073, MedGen C4015349, MONDO:0014511, OMIM 616155.
Autosomal recessive distal spinal muscular atrophy 1. Also called: NEURONOPATHY, DISTAL HEREDITARY MOTOR, HARDING TYPE VI; NEUROPATHY, DISTAL HEREDITARY MOTOR, AUTOSOMAL RECESSIVE 1; HMN VI; NEURONOPATHY, SEVERE INFANTILE AXONAL, WITH RESPIRATORY FAILURE; SEVERE INFANTILE AXONAL NEUROPATHY WITH RESPIRATORY FAILURE; SPINAL MUSCULAR ATROPHY, DIAPHRAGMATIC. Identifiers: Orphanet 98920, MedGen C1858517, MONDO:0011436, OMIM 604320.
Inborn genetic diseases. Identifiers: MedGen C0950123, MeSH D030342.
Charcot-Marie-Tooth disease. Also called: Charcot-Marie-Tooth Neuropathy; Charcot-Marie-Tooth Hereditary Neuropathy. Identifiers: Orphanet 166, MedGen C0007959, MONDO:0015626.

Allele frequency attached by ClinVar (database versions not stated): ExAC 0.00002; gnomAD 0.00002; TOPMed 0.00002; gnomAD exomes 0.00003.

Submissions (5):

Labcorp Genetics (formerly Invitae), Labcorp
Classification: Uncertain significance for Autosomal recessive distal spinal muscular atrophy 1; Charcot-Marie-Tooth disease axonal type 2S. Last evaluated: 2026-01-20. Review status: criteria provided, single submitter. Criteria: Invitae Variant Classification Sherloc (09022015). Collection method: clinical testing. Allele origin: germline.
Comment: This sequence change replaces glycine, which is neutral and non-polar, with serine, which is neutral and polar, at codon 800 of the IGHMBP2 protein (p.Gly800Ser). This variant is present in population databases (rs751122806, gnomAD 0.006%). This variant has not been reported in the literature in individuals affected with IGHMBP2-related conditions. ClinVar contains an entry for this variant (Variation ID: 466590). Invitae Evidence Modeling of protein sequence and biophysical properties (such as structural, functional, and spatial information, amino acid conservation, physicochemical variation, residue mobility, and thermodynamic stability) indicates that this missense variant is not expected to disrupt IGHMBP2 protein function with a negative predictive value of 95%. In summary, the available evidence is currently insufficient to determine the role of this variant in disease. Therefore, it has been classified as a Variant of Uncertain Significance.

Ambry Genetics
Classification: Uncertain significance for Inborn genetic diseases. Last evaluated: 2024-11-21. Review status: criteria provided, single submitter. Criteria: Ambry Variant Classification Scheme 2023. Collection method: clinical testing. Allele origin: germline.

GeneDx
Classification: Uncertain significance. Last evaluated: 2022-02-21. Review status: criteria provided, single submitter. Criteria: GeneDx Variant Classification Process June 2021. Collection method: clinical testing. Allele origin: germline. Affected: yes.
Comment: Not observed at significant frequency in large population cohorts (gnomAD); In silico analysis supports that this missense variant does not alter protein structure/function; Has not been previously published as pathogenic or benign to our knowledge

Revvity Omics, Revvity
Classification: Uncertain significance. Last evaluated: 2019-05-28. Review status: criteria provided, single submitter. Criteria: ACMG Guidelines, 2015. Collection method: clinical testing. Allele origin: germline.

Molecular Genetics Laboratory, London Health Sciences Centre
Classification: Uncertain significance for Charcot-Marie-Tooth disease. Review status: criteria provided, single submitter. Criteria: ACMG Guidelines, 2015. Collection method: clinical testing. Allele origin: germline. Affected: yes.

NM_002180.3(IGHMBP2):c.2398G>A (p.Gly800Ser)

Gene: IGHMBP2 (immunoglobulin mu DNA binding protein 2; plus strand). Cytogenetic location: 11q13.3.
Variant type: single nucleotide variant.
Coding change: c.2398G>A on transcript NM_002180.3 (MANE Select); coding-DNA position 2398, G replaced by A.
Protein change: p.Gly800Ser; replaces glycine 800 with serine.
Molecular consequence: missense variant.
Genome position (GRCh38, 1-based): chr11:68,936,878, G>A. VCF-style: chr11-68936878-G-A. GRCh37 (hg19) VCF-style: chr11-68704346-G-A.
Other names: short protein forms G800S.
Identifiers: ClinVar variation 466590 (VCV000466590.15), dbSNP rs751122806, ClinGen allele CA6153905.